The following is an entry in ClinVar:

ClinVar aggregate classification (germline): Uncertain significance (1 of 4 stars; one submission).

Conditions:
KIDINS220-related disorder. Also called: KIDINS220-related condition.

Submission:

PreventionGenetics, part of Exact Sciences
Classification: Uncertain significance for KIDINS220-related condition. Last evaluated: 2023-07-19. Review status: criteria provided, single submitter. Criteria: ACMG Guidelines, 2015. Collection method: clinical testing. Allele origin: germline.
Comment: The KIDINS220 c.2311G>A variant is predicted to result in the amino acid substitution p.Val771Ile. To our knowledge, this variant has not been reported in the literature or in a large population database, indicating this variant is rare. At this time, the clinical significance of this variant is uncertain due to the absence of conclusive functional and genetic evidence.

NM_020738.4(KIDINS220):c.2311G>A (p.Val771Ile)

Gene: KIDINS220 (kinase D interacting substrate 220; minus strand). Cytogenetic location: 2p25.1.
Variant type: single nucleotide variant.
Coding change: c.2311G>A on transcript NM_020738.4 (MANE Select); coding-DNA position 2311, G replaced by A.
Protein change: p.Val771Ile; replaces valine 771 with isoleucine.
Molecular consequence: missense variant. On other transcripts: non-coding transcript variant (2).
Genome position (GRCh38, 1-based): chr2:8,779,733, C>T on the plus strand (G>A on the coding strand, the complement: KIDINS220 is on the minus strand). VCF-style: chr2-8779733-C-T. GRCh37 (hg19) VCF-style: chr2-8919863-C-T.
Other names: c.2314G>A, p.Val772Ile (NM_001348729.2, NM_001348731.2, NM_001348734.2 and 3 more transcripts); c.2311G>A, p.Val771Ile (NM_001348732.2, NM_001348735.2, NM_001348738.2 and 3 more transcripts); c.2185G>A, p.Val729Ile (NM_001348736.2); short protein forms V729I, V771I, V772I.
Identifiers: ClinVar variation 2632719 (VCV002632719.1), dbSNP rs1407678419, ClinGen allele CA345760605.